The following is an entry in ClinVar:

ClinVar aggregate classification (germline): Pathogenic (1 of 4 stars; one submission).

Conditions:
Cohen syndrome (COH1). Also called: PEPPER SYNDROME; Cutis verticis gyrata, retinitis pigmentosa, and sensorineural deafness. Identifiers: Orphanet 193, MedGen C0265223, MONDO:0008999, OMIM 216550.

Submission:

Labcorp Genetics (formerly Invitae), Labcorp
Classification: Pathogenic for Cohen syndrome. Last evaluated: 2024-12-09. Review status: criteria provided, single submitter. Criteria: Invitae Variant Classification Sherloc (09022015). Collection method: clinical testing. Allele origin: germline.
Comment: This sequence change creates a premature translational stop signal (p.Ile96Aspfs*4) in the VPS13B gene. It is expected to result in an absent or disrupted protein product. Loss-of-function variants in VPS13B are known to be pathogenic (PMID: 15141358, 16648375, 20461111). This variant is not present in population databases (gnomAD no frequency). This variant has not been reported in the literature in individuals affected with VPS13B-related conditions. ClinVar contains an entry for this variant (Variation ID: 2768749). For these reasons, this variant has been classified as Pathogenic.

Literature cited by the submitters: PubMed 15141358; PubMed 16648375; PubMed 20461111.

NM_152564.5(VPS13B):c.285dup (p.Ile96fs)

Gene: VPS13B (vacuolar protein sorting 13 homolog B; plus strand). Cytogenetic location: 8q22.2.
Variant type: Duplication.
Coding change: c.285dup on transcript NM_152564.5 (MANE Select); coding-DNA position 285, one base duplicated (G; older notation c.285dupG).
Protein change: p.Ile96fs; shifts the reading frame from isoleucine 96.
Molecular consequence: frameshift variant. On other transcripts: non-coding transcript variant (1).
Genome position (GRCh38, 1-based): chr8:99,038,560, G duplicated; the last of 3 consecutive G bases (chr8:99,038,558-99,038,560); duplicating any one gives the same sequence. VCF-style (leftmost placement, unchanged base first): chr8-99038557-T-TG. GRCh37 (hg19) VCF-style: chr8-100050785-T-TG.
Other names: c.285dup, p.Ile96fs (NM_015243.3, NM_017890.5, NM_181661.3); short protein forms I96fs.
Identifiers: ClinVar variation 2768749 (VCV002768749.3), dbSNP rs2488268134, ClinGen allele CA2697550056.